The following is an entry in ClinVar:

ClinVar aggregate classification (germline): Uncertain significance (1 of 4 stars; one submission).

Conditions:
Cardiovascular phenotype. Identifiers: MedGen CN230736.
Hereditary cancer-predisposing syndrome. Also called: Hereditary neoplastic syndrome; Neoplastic Syndromes, Hereditary; Tumor predisposition; Hereditary Cancer Syndrome. Identifiers: Orphanet 140162, MedGen C0027672, MeSH D009386, MONDO:0015356.

Submission:

Ambry Genetics
Classification: Uncertain significance for Cardiovascular phenotype; Hereditary cancer-predisposing syndrome. Last evaluated: 2025-07-18. Review status: criteria provided, single submitter. Criteria: Ambry Variant Classification Scheme 2023. Collection method: clinical testing. Allele origin: germline.
Comment: The p.E244V variant (also known as c.731A>T) is located in coding exon 8 of the NF1 gene. The glutamic acid at codon 244 is replaced by valine, an amino acid with dissimilar properties. This change occurs in the first base pair of coding exon 8. This amino acid position is conserved. In addition, the in silico prediction for this alteration is inconclusive. Based on the available evidence, the clinical significance of this variant remains unclear.

NM_001042492.3(NF1):c.731A>T (p.Glu244Val)

Gene: NF1 (neurofibromin 1; plus strand). Cytogenetic location: 17q11.2.
Variant type: single nucleotide variant.
Coding change: c.731A>T on transcript NM_001042492.3 (MANE Select); coding-DNA position 731, A replaced by T.
Protein change: p.Glu244Val; replaces glutamic acid 244 with valine.
Molecular consequence: missense variant.
Genome position (GRCh38, 1-based): chr17:31,182,508, A>T. VCF-style: chr17-31182508-A-T. GRCh37 (hg19) VCF-style: chr17-29509526-A-T.
Other names: c.731A>T, p.Glu244Val (NM_000267.4, NM_001128147.3); short protein forms E244V.
Identifiers: ClinVar variation 4119107 (VCV004119107.1).
Genomic context (GRCh38, chr17:31,182,508, plus strand): 5'-CTTTAATGCCAGGGATTTTGTTCCTATCTAATAATGTCATTTAATATATTTTTCATGCAG[A>T]ATGTGCAGAAAAGCTATTTGACTTGGTGGATGGTTTTGCTGAAAGCACCAAACGTAAAGC-3'
Protein context (NP_001035957.1, residues 234-254): LYQIPQTDMA[Glu244Val]CAEKLFDLVD